The following is an entry in ClinVar:

ClinVar aggregate classification (germline): Uncertain significance. Review status: criteria provided, multiple submitters, no conflicts (2 of 4 stars). 2 submissions from 2 submitters: Uncertain significance (2). Last evaluated 2025-11-10.

Conditions:
Inborn genetic diseases. Identifiers: MedGen C0950123, MeSH D030342.
COG5-congenital disorder of glycosylation. Also called: COG5-CDG; CDG IIi; CONGENITAL DISORDER OF GLYCOSYLATION, TYPE IIi. Identifiers: Orphanet 263487, MedGen C3150876, MONDO:0013325, OMIM 613612.

Allele frequency attached by ClinVar (database versions not stated): ExAC 0.00001; gnomAD exomes 0.00001; gnomAD 0.00002; TOPMed 0.00003.
gnomAD v4.1: 22 of 1,538,660 alleles (0.0014%); highest among the groups gnomAD compares: African/African-American, 0.0027%; no homozygotes.

Submissions (2):

Ambry Genetics
Classification: Uncertain significance for Inborn genetic diseases. Last evaluated: 2025-11-10. Review status: criteria provided, single submitter. Criteria: Ambry Variant Classification Scheme 2023. Collection method: clinical testing. Allele origin: germline.

Labcorp Genetics (formerly Invitae), Labcorp
Classification: Uncertain significance for COG5-congenital disorder of glycosylation. Last evaluated: 2025-08-28. Review status: criteria provided, single submitter. Criteria: Invitae Variant Classification Sherloc (09022015). Collection method: clinical testing. Allele origin: germline.
Comment: This sequence change replaces glutamine, which is neutral and polar, with arginine, which is basic and polar, at codon 215 of the COG5 protein (p.Gln215Arg). The frequency data for this variant in the population databases is considered unreliable, as metrics indicate poor data quality at this position in the gnomAD database. This variant has not been reported in the literature in individuals affected with COG5-related conditions. ClinVar contains an entry for this variant (Variation ID: 568462). Invitae Evidence Modeling of protein sequence and biophysical properties (such as structural, functional, and spatial information, amino acid conservation, physicochemical variation, residue mobility, and thermodynamic stability) indicates that this missense variant is not expected to disrupt COG5 protein function with a negative predictive value of 80%. In summary, the available evidence is currently insufficient to determine the role of this variant in disease. Therefore, it has been classified as a Variant of Uncertain Significance.

NM_006348.5(COG5):c.551A>G (p.Gln184Arg)

Gene: COG5 (component of oligomeric golgi complex 5; minus strand). Cytogenetic location: 7q22.3.
Variant type: single nucleotide variant.
Coding change: c.551A>G on transcript NM_006348.5 (MANE Select); coding-DNA position 551, A replaced by G.
Protein change: p.Gln184Arg; replaces glutamine 184 with arginine.
Molecular consequence: missense variant. On other transcripts: intron variant (2).
Genome position (GRCh38, 1-based): chr7:107,412,620, T>C on the plus strand (A>G on the coding strand, the complement: COG5 is on the minus strand). VCF-style: chr7-107412620-T-C. GRCh37 (hg19) VCF-style: chr7-107053065-T-C.
Other names: c.235-50510A>G (NM_001379516.1); c.539-114274A>G (NM_001379515.1); c.551A>G, p.Gln184Arg (NM_001379514.1, NM_181733.4, NM_001161520.2 and 3 more transcripts); short protein forms Q215R, Q184R.
Identifiers: ClinVar variation 568462 (VCV000568462.8), dbSNP rs753818358, ClinGen allele CA4431184.